The following is an entry in ClinVar:

ClinVar aggregate classification (germline): Uncertain significance (1 of 4 stars; one submission).

Conditions:
Hereditary sensory and autonomic neuropathy type 7. Also called: HSAN VII; Neuropathy, hereditary sensory and autonomic, type VII. Identifiers: Orphanet 391397, MedGen C3809882, MONDO:0014244, OMIM 615548.
Familial episodic pain syndrome with predominantly lower limb involvement. Also called: Episodic pain syndrome, familial, 3. Identifiers: Orphanet 391384, Orphanet 391392, MedGen C3809899, MONDO:0014247, OMIM 615552.

Submission:

Labcorp Genetics (formerly Invitae), Labcorp
Classification: Uncertain significance for Familial episodic pain syndrome with predominantly lower limb involvement; Hereditary sensory and autonomic neuropathy type 7. Last evaluated: 2020-02-04. Review status: criteria provided, single submitter. Criteria: Invitae Variant Classification Sherloc (09022015). Collection method: clinical testing. Allele origin: germline.
Comment: In summary, the available evidence is currently insufficient to determine the role of this variant in disease. Therefore, it has been classified as a Variant of Uncertain Significance. The current clinical and genetic evidence is not sufficient to establish whether loss-of-function variants in SCN11A cause disease. This variant has not been reported in the literature in individuals with SCN11A-related conditions. This variant is not present in population databases (ExAC no frequency). This sequence change creates a premature translational stop signal (p.Leu907Glnfs*8) in the SCN11A gene. It is expected to result in an absent or disrupted protein product.

NM_001349253.2(SCN11A):c.2713_2719dup (p.Leu907fs)

Gene: SCN11A (sodium voltage-gated channel alpha subunit 11; minus strand). Cytogenetic location: 3p22.2.
Variant type: Duplication.
Coding change: c.2713_2719dup on transcript NM_001349253.2 (MANE Select); coding-DNA positions 2713 to 2719, 7 bases duplicated (AAGACCC; older notation c.2713_2719dupAAGACCC).
Protein change: p.Leu907fs; shifts the reading frame from leucine 907.
Molecular consequence: frameshift variant.
Genome position (GRCh38, 1-based): chr3:38,894,649-38,894,655, GGGTCTT duplicated on the plus strand (AAGACCC on the coding strand, the reverse complement: SCN11A is on the minus strand). VCF-style (leftmost placement, unchanged base first): chr3-38894648-A-AGGGTCTT. GRCh37 (hg19) VCF-style: chr3-38936139-A-AGGGTCTT.
Other names: c.2713_2719dup, p.Leu907fs (NM_014139.3); short protein forms L907fs.
Identifiers: ClinVar variation 1026058 (VCV001026058.5), dbSNP rs2065559571, ClinGen allele CA1358718144.